The following is an entry in ClinVar:

ClinVar aggregate classification (germline): Uncertain significance. Review status: criteria provided, multiple submitters, no conflicts (2 of 4 stars). 2 submissions from 2 submitters: Uncertain significance (2). Last evaluated 2025-01-05.

Conditions:
Hereditary breast ovarian cancer syndrome. Also called: Hereditary breast and ovarian cancer syndrome (HBOC); Hereditary breast and ovarian cancer syndrome; Breast and ovarian cancer; Hereditary breast and/or ovarian cancer syndrome; Hereditary breast and ovarian cancer; BRCA1- and BRCA2-Associated Hereditary Breast and Ovarian Cancer. Identifiers: Orphanet 145, MedGen C0677776, MeSH D061325, MONDO:0003582. Disease mechanism: loss of function.

Submissions (2):

Women's Health and Genetics/Laboratory Corporation of America, LabCorp
Classification: Uncertain significance. Last evaluated: 2025-01-05. Review status: criteria provided, single submitter. Criteria: LabCorp Variant Classification Summary - May 2015. Collection method: clinical testing. Allele origin: germline.

Labcorp Genetics (formerly Invitae), Labcorp
Classification: Uncertain significance for Hereditary breast ovarian cancer syndrome. Last evaluated: 2024-02-18. Review status: criteria provided, single submitter. Criteria: Invitae Variant Classification Sherloc (09022015). Collection method: clinical testing. Allele origin: germline.
Comment: This sequence change replaces glycine, which is neutral and non-polar, with valine, which is neutral and non-polar, at codon 3212 of the BRCA2 protein (p.Gly3212Val). This variant is not present in population databases (gnomAD no frequency). This variant has not been reported in the literature in individuals affected with BRCA2-related conditions. ClinVar contains an entry for this variant (Variation ID: 462532). Advanced modeling of protein sequence and biophysical properties (such as structural, functional, and spatial information, amino acid conservation, physicochemical variation, residue mobility, and thermodynamic stability) performed at Invitae indicates that this missense variant is not expected to disrupt BRCA2 protein function with a negative predictive value of 95%. In summary, the available evidence is currently insufficient to determine the role of this variant in disease. Therefore, it has been classified as a Variant of Uncertain Significance.

NM_000059.4(BRCA2):c.9635G>T (p.Gly3212Val)

Gene: BRCA2 (BRCA2 DNA repair associated; plus strand). Cytogenetic location: 13q13.1.
Variant type: single nucleotide variant.
Coding change: c.9635G>T on transcript NM_000059.4 (MANE Select); coding-DNA position 9635, G replaced by T.
Protein change: p.Gly3212Val; replaces glycine 3212 with valine.
Molecular consequence: missense variant.
Genome position (GRCh38, 1-based): chr13:32,397,031, G>T. VCF-style: chr13-32397031-G-T. GRCh37 (hg19) VCF-style: chr13-32971168-G-T.
Other names: short protein forms G3212V.
Identifiers: ClinVar variation 462532 (VCV000462532.11), dbSNP rs1281719451, ClinGen allele CA387763782.